The following is an entry in ClinVar:

NM_004259.7(RECQL5):c.2925C>T (p.Ala975=)

Gene: RECQL5 (RecQ like helicase 5; minus strand). Cytogenetic location: 17q25.1.
Variant type: single nucleotide variant.
Coding change: c.2925C>T on transcript NM_004259.7 (MANE Select); coding-DNA position 2925, C replaced by T.
Protein change: p.Ala975=; no amino-acid change (alanine 975 retained).
Molecular consequence: synonymous variant.
Genome position (GRCh38, 1-based): chr17:75,627,473, G>A on the plus strand (C>T on the coding strand, the complement: RECQL5 is on the minus strand). VCF-style: chr17-75627473-G-A. GRCh37 (hg19) VCF-style: chr17-73623553-G-A.
Identifiers: ClinVar variation 3051239 (VCV003051239.2), dbSNP rs201060054, ClinGen allele CA8766870.
Genomic context (GRCh38, chr17:75,627,473, plus strand): 5'-AGCAGTTGGTCATCTCTGGGGGCCACACAGGCCATGCCAGTCAGCTTCGCTCTCGCACCG[G>A]GCCCGGCCATGGAAGAAGTGCCTGATGAGGTTCTGGGCCTCTTCTTTCACTACAGATTCA-3'
Protein context (NP_004250.4, residues 965-985): NLIRHFFHGR[Ala975=]RCESEADWHG

ClinVar aggregate classification (germline): Likely benign (0 of 4 stars; one submission).

Conditions:
RECQL5-related disorder. Also called: RECQL5-related condition.

Allele frequency attached by ClinVar (database versions not stated): gnomAD exomes 0.00002; ExAC 0.00003; gnomAD 0.00013; TOPMed 0.00016; 1000 Genomes Project 30x 0.00031; 1000 Genomes Project 0.00040.
gnomAD v4.1: 46 of 1,613,818 alleles (0.0029%); highest among the groups gnomAD compares: African/African-American, 0.06%; no homozygotes.

Submission:

PreventionGenetics, part of Exact Sciences
Classification: Likely benign for RECQL5-related condition. Last evaluated: 2022-08-04. Review status: no assertion criteria provided. Collection method: clinical testing. Allele origin: germline.
Comment: This variant is classified as likely benign based on ACMG/AMP sequence variant interpretation guidelines (Richards et al. 2015 PMID: 25741868, with internal and published modifications).